The following is an entry in ClinVar:

ClinVar aggregate classification (germline): Uncertain significance (1 of 4 stars; one submission).

Conditions:
Noonan syndrome 9 (NS9). Identifiers: Orphanet 648, MedGen C4225282, MONDO:0014691, OMIM 616559.

gnomAD v4.1: 13 of 1,613,838 alleles (0.00081%); highest among the groups gnomAD compares: South Asian, 0.014%; no homozygotes.

Submission:

Center for Genomics, Ann and Robert H. Lurie Children's Hospital of Chicago
Classification: Uncertain significance for Noonan syndrome 9. Last evaluated: 2021-05-13. Review status: criteria provided, single submitter. Criteria: ACMG Guidelines, 2015. Collection method: clinical testing. Allele origin: germline.
Comment: SOS2 NM_006939.3 exon 14 p.Gln740His (c.2220A>T): This variant has not been reported in the literature but is present in 0.03% (5/15276) of Latino alleles in the Genome Aggregation Database. Evolutionary conservation and computational predictive tools for this variant are unclear. In summary, data on this variant is insufficient for disease classification. Therefore, the clinical significance of this variant is uncertain.

NM_006939.4(SOS2):c.2220A>T (p.Gln740His)

Gene: SOS2 (SOS Ras/Rho guanine nucleotide exchange factor 2; minus strand). Cytogenetic location: 14q21.3.
Variant type: single nucleotide variant.
Coding change: c.2220A>T on transcript NM_006939.4 (MANE Select); coding-DNA position 2220, A replaced by T.
Protein change: p.Gln740His; replaces glutamine 740 with histidine.
Molecular consequence: missense variant.
Genome position (GRCh38, 1-based): chr14:50,150,172, T>A on the plus strand (A>T on the coding strand, the complement: SOS2 is on the minus strand). VCF-style: chr14-50150172-T-A. GRCh37 (hg19) VCF-style: chr14-50616890-T-A.
Other names: short protein forms Q740H.
Identifiers: ClinVar variation 1675135 (VCV001675135.1), dbSNP rs576277421, ClinGen allele CA7177089.